The following is an entry in ClinVar:

ClinVar aggregate classification (germline): Pathogenic/Likely pathogenic. Review status: criteria provided, multiple submitters, no conflicts (2 of 4 stars). 2 submissions from 2 submitters: Pathogenic (1); Likely pathogenic (1). Last evaluated 2025-12-08.

Conditions:
Nemaline myopathy 2 (NEM2). Also called: Nemaline myopathy 2, autosomal recessive. Identifiers: MedGen C1850569, MONDO:0009725, OMIM 256030.

Submissions (2):

Labcorp Genetics (formerly Invitae), Labcorp
Classification: Pathogenic for Nemaline myopathy 2. Last evaluated: 2025-12-08. Review status: criteria provided, single submitter. Criteria: Invitae Variant Classification Sherloc (09022015). Collection method: clinical testing. Allele origin: germline.
Comment: This sequence change creates a premature translational stop signal (p.Lys7502Glnfs*29) in the NEB gene. It is expected to result in an absent or disrupted protein product. Loss-of-function variants in NEB are known to be pathogenic (PMID: 25205138). This variant is not present in population databases (gnomAD no frequency). This variant has not been reported in the literature in individuals affected with NEB-related conditions. For these reasons, this variant has been classified as Pathogenic.

Natera, Inc.
Classification: Likely pathogenic for Nemaline myopathy type 2. Last evaluated: 2025-11-04. Review status: criteria provided, single submitter. Criteria: Natera Variant Classification Schema (03/2026). Collection method: clinical testing. Allele origin: germline.
Comment: The c.22503dup variant in NEB is a frameshift variant predicted to shift the reading frame beginning at codon 7502 and leads to a stop codon 29 codons downstream. This variant is expected to result in nonsense mediated decay, truncation, or a dysfunctional protein product. This variant is rare in the general population with a frequency below the threshold expected for the associated phenotype(s). Given the available evidence, this variant is classified as Likely Pathogenic.

Literature cited by the submitters: PubMed 25205138 (cited by Labcorp Genetics (formerly Invitae), Labcorp).

NM_001164508.2(NEB):c.22398dup (p.Lys7467fs)

Genes: NEB (nebulin; minus strand), RIF1 (replication timing regulatory factor 1; plus strand). Cytogenetic location: 2q23.3.
Variant type: Duplication.
Coding change: c.22398dup on transcript NM_001164508.2 (MANE Select); coding-DNA position 22398, one base duplicated (C; older notation c.22398dupC).
Protein change: p.Lys7467fs; shifts the reading frame from lysine 7467.
Molecular consequence: frameshift variant.
Genome position (GRCh38, 1-based): chr2:151,524,392, G duplicated on the plus strand (C on the coding strand, the reverse complement: NEB is on the minus strand). VCF-style (leftmost placement, unchanged base first): chr2-151524391-T-TG. GRCh37 (hg19) VCF-style: chr2-152380905-T-TG.
Other names: c.22398dup, p.Lys7467fs (NM_001164507.2); c.22503dup, p.Lys7502fs (NM_001271208.2); c.17295dup, p.Lys5766fs (NM_004543.5); short protein forms K7467fs, K5766fs, K7502fs.
Identifiers: ClinVar variation 4732733 (VCV004732733.2).